The following is an entry in ClinVar:

NM_002471.4(MYH6):c.2122A>G (p.Arg708Gly)

Gene: MYH6 (myosin heavy chain 6; minus strand). Cytogenetic location: 14q11.2.
Variant type: single nucleotide variant.
Coding change: c.2122A>G on transcript NM_002471.4 (MANE Select); coding-DNA position 2122, A replaced by G.
Protein change: p.Arg708Gly; replaces arginine 708 with glycine.
Molecular consequence: missense variant.
Genome position (GRCh38, 1-based): chr14:23,397,009, T>C on the plus strand (A>G on the coding strand, the complement: MYH6 is on the minus strand). VCF-style: chr14-23397009-T-C. GRCh37 (hg19) VCF-style: chr14-23866218-T-C.
Other names: short protein forms R708G.
Identifiers: ClinVar variation 5025139 (VCV005025139.1).

ClinVar aggregate classification (germline): Uncertain significance (1 of 4 stars; one submission).

Conditions:
Cardiovascular phenotype. Identifiers: MedGen CN230736.

gnomAD v4.1: 1 of 1,613,842 alleles (0.000062%); highest among the groups gnomAD compares: Non-Finnish European, 0.000085%; no homozygotes.

Submission:

Ambry Genetics
Classification: Uncertain significance for Cardiovascular phenotype. Last evaluated: 2026-08-10. Review status: criteria provided, single submitter. Criteria: Ambry Variant Classification Scheme 2023. Collection method: clinical testing. Allele origin: germline.
Comment: The p.R708G variant (also known as c.2122A>G), located in coding exon 16 of the MYH6 gene, results from an A to G substitution at nucleotide position 2122. The arginine at codon 708 is replaced by glycine, an amino acid with dissimilar properties. This amino acid position is conserved. In addition, this alteration is predicted to be deleterious by in silico analysis. Based on the available evidence, the clinical significance of this variant remains unclear.